The following is an entry in ClinVar:

ClinVar aggregate classification (germline): Uncertain significance. Review status: criteria provided, multiple submitters, no conflicts (2 of 4 stars). 3 submissions from 3 submitters: Uncertain significance (3). Last evaluated 2025-05-26.

Conditions:
Neuroblastoma, susceptibility to, 3. Also called: ALK-Related Neuroblastic Tumor Susceptibility. Identifiers: Orphanet 635, MedGen C2751681, MONDO:0013083, OMIM 613014.
Hereditary cancer-predisposing syndrome. Also called: Neoplastic Syndromes, Hereditary; Tumor predisposition; Hereditary neoplastic syndrome; Hereditary Cancer Syndrome. Identifiers: Orphanet 140162, MedGen C0027672, MeSH D009386, MONDO:0015356.

Allele frequency attached by ClinVar (database versions not stated): gnomAD exomes below 0.00001; TOPMed below 0.00001.
gnomAD v4.1: 2 of 1,614,144 alleles (0.00012%); highest among the groups gnomAD compares: Non-Finnish European, 0.00017%; no homozygotes.

Submissions (3):

Labcorp Genetics (formerly Invitae), Labcorp
Classification: Uncertain significance for Neuroblastoma, susceptibility to, 3. Last evaluated: 2025-05-26. Review status: criteria provided, single submitter. Criteria: Invitae Variant Classification Sherloc (09022015). Collection method: clinical testing. Allele origin: germline.
Comment: This sequence change replaces isoleucine, which is neutral and non-polar, with phenylalanine, which is neutral and non-polar, at codon 1268 of the ALK protein (p.Ile1268Phe). This variant is not present in population databases (gnomAD no frequency). This variant has not been reported in the literature in individuals affected with ALK-related conditions. ClinVar contains an entry for this variant (Variation ID: 1489753). An algorithm developed to predict the effect of missense changes on protein structure and function (PolyPhen-2) suggests that this variant is likely to be disruptive. In summary, the available evidence is currently insufficient to determine the role of this variant in disease. Therefore, it has been classified as a Variant of Uncertain Significance.

Ambry Genetics
Classification: Uncertain significance for Hereditary cancer-predisposing syndrome. Last evaluated: 2024-03-21. Review status: criteria provided, single submitter. Criteria: Ambry Variant Classification Scheme 2023. Collection method: clinical testing. Allele origin: germline.
Comment: The p.I1268F variant (also known as c.3802A>T), located in coding exon 25 of the ALK gene, results from an A to T substitution at nucleotide position 3802. The isoleucine at codon 1268 is replaced by phenylalanine, an amino acid with highly similar properties. This amino acid position is conserved. In addition, this alteration is predicted to be deleterious by in silico analysis. Based on the available evidence, the clinical significance of this alteration remains unclear.

Baylor Genetics
Classification: Uncertain significance for Neuroblastoma, susceptibility to, 3. Last evaluated: 2023-11-08. Review status: criteria provided, single submitter. Criteria: ACMG Guidelines, 2015. Collection method: clinical testing. Allele origin: unknown.

NM_004304.5(ALK):c.3802A>T (p.Ile1268Phe)

Gene: ALK (ALK receptor tyrosine kinase; minus strand). Cytogenetic location: 2p23.2.
Variant type: single nucleotide variant.
Coding change: c.3802A>T on transcript NM_004304.5 (MANE Select); coding-DNA position 3802, A replaced by T.
Protein change: p.Ile1268Phe; replaces isoleucine 1268 with phenylalanine.
Molecular consequence: missense variant.
Genome position (GRCh38, 1-based): chr2:29,209,820, T>A on the plus strand (A>T on the coding strand, the complement: ALK is on the minus strand). VCF-style: chr2-29209820-T-A. GRCh37 (hg19) VCF-style: chr2-29432686-T-A.
Other names: c.598A>T, p.Ile200Phe (NM_001353765.2); c.3802A>T (NM_004304.4); short protein forms I1268F, I200F.
Identifiers: ClinVar variation 1489753 (VCV001489753.8), dbSNP rs1669415629, ClinGen allele CA346469648.